The following is an entry in ClinVar:

NM_032524.2(KRTAP4-4):c.288T>C (p.Cys96=)

Gene: KRTAP4-4 (keratin associated protein 4-4; minus strand). Cytogenetic location: 17q21.2.
Variant type: single nucleotide variant.
Coding change: c.288T>C on transcript NM_032524.2 (MANE Select); coding-DNA position 288, T replaced by C.
Protein change: p.Cys96=; no amino-acid change (cysteine 96 retained).
Molecular consequence: synonymous variant.
Genome position (GRCh38, 1-based): chr17:41,160,404, A>G on the plus strand (T>C on the coding strand, the complement: KRTAP4-4 is on the minus strand). VCF-style: chr17-41160404-A-G. GRCh37 (hg19) VCF-style: chr17-39316656-A-G.
Identifiers: ClinVar variation 2647759 (VCV002647759.24), dbSNP rs899704222, ClinGen allele CA290627099.

ClinVar aggregate classification (germline): Likely benign (1 of 4 stars; one submission).

Allele frequency attached by ClinVar (database versions not stated): gnomAD exomes below 0.00001; gnomAD 0.00006.

Submission:

CeGaT Center for Human Genetics Tuebingen
Classification: Likely benign. Last evaluated: 2023-02-01. Review status: criteria provided, single submitter. Criteria: CeGaT Center For Human Genetics Tuebingen Variant Classification Criteria Version 2. Collection method: clinical testing. Allele origin: germline. Affected: yes. Observed: 1 variant allele.
Comment: KRTAP4-4: BP4, BP7